The following is an entry in ClinVar:

ClinVar aggregate classification (germline): Likely benign (1 of 4 stars; one submission).

Allele frequency attached by ClinVar (database versions not stated): gnomAD exomes 0.00001.

Submission:

CeGaT Center for Human Genetics Tuebingen
Classification: Likely benign. Last evaluated: 2022-07-01. Review status: criteria provided, single submitter. Criteria: CeGaT Center For Human Genetics Tuebingen Variant Classification Criteria Version 2. Collection method: clinical testing. Allele origin: germline. Affected: yes. Observed: 1 variant allele.
Comment: PHGR1: BP4, BP7

NM_001145643.2(PHGR1):c.135A>T (p.Pro45=)

Gene: PHGR1 (proline, histidine and glycine rich 1; plus strand). Cytogenetic location: 15q15.1.
Variant type: single nucleotide variant.
Coding change: c.135A>T on transcript NM_001145643.2 (MANE Select); coding-DNA position 135, A replaced by T.
Protein change: p.Pro45=; no amino-acid change (proline 45 retained).
Molecular consequence: synonymous variant.
Genome position (GRCh38, 1-based): chr15:40,356,189, A>T. VCF-style: chr15-40356189-A-T. GRCh37 (hg19) VCF-style: chr15-40648390-A-T.
Identifiers: ClinVar variation 2645167 (VCV002645167.24), dbSNP rs528310955, ClinGen allele CA268777829.
Genomic context (GRCh38, chr15:40,356,189, plus strand): 5'-TGGCCATGGCCCAGGGCCCTGCGGGCCACCCCCCCACCATGGTCCAGGGCCCTGCGGGCC[A>T]CCCCCTGGCCATGGCCCAGGGCCCTGCGGGCCACCCCCCCACCATGGTCCAGGGCCCTGC-3'
Protein context (NP_001139115.1, residues 35-55): PPHHGPGPCG[Pro45=]PPGHGPGPCG